The following is an entry in ClinVar:

ClinVar aggregate classification (germline): Pathogenic. Review status: criteria provided, single submitter (1 of 4 stars). 2 submissions from 2 submitters: Pathogenic (1). 1 of the submissions does not count toward it. Last evaluated 2024-04-02.

Conditions:
Autosomal recessive nonsyndromic hearing loss 2. Also called: DEAFNESS, AUTOSOMAL RECESSIVE 2; NEUROSENSORY NONSYNDROMIC RECESSIVE DEAFNESS 2. Identifiers: Orphanet 90636, MedGen C1838701, MONDO:0010807, OMIM 600060.
Usher syndrome type 1 (USH1). Also called: RETINITIS PIGMENTOSA AND CONGENITAL DEAFNESS. Identifiers: Orphanet 231169, Orphanet 886, MedGen C1568247, MONDO:0010168, OMIM 276900.

Submissions (2):

Labcorp Genetics (formerly Invitae), Labcorp
Classification: Pathogenic. Last evaluated: 2024-04-02. Review status: criteria provided, single submitter. Criteria: Invitae Variant Classification Sherloc (09022015). Collection method: clinical testing. Allele origin: germline.
Comment: This sequence change creates a premature translational stop signal (p.Asn1848Thrfs*31) in the MYO7A gene. It is expected to result in an absent or disrupted protein product. Loss-of-function variants in MYO7A are known to be pathogenic (PMID: 8900236, 25404053). This variant is not present in population databases (gnomAD no frequency). This variant has not been reported in the literature in individuals affected with MYO7A-related conditions. ClinVar contains an entry for this variant (Variation ID: 555973). For these reasons, this variant has been classified as Pathogenic.

Counsyl
Classification: Likely pathogenic for Usher syndrome type 1; Autosomal recessive nonsyndromic hearing loss 2. Last evaluated: 2018-01-05. Review status: no assertion criteria provided. Collection method: clinical testing. Allele origin: unknown. Not counted in ClinVar's aggregate classification.

Literature cited by the submitters: PubMed 8900236 (cited by Labcorp Genetics (formerly Invitae), Labcorp); PubMed 25404053 (cited by Labcorp Genetics (formerly Invitae), Labcorp).

NM_000260.4(MYO7A):c.5543del (p.Asn1848fs)

Gene: MYO7A (myosin VIIA; plus strand). Cytogenetic location: 11q13.5.
Variant type: Deletion.
Coding change: c.5543del on transcript NM_000260.4 (MANE Select); coding-DNA position 5543, one base deleted (A; older notation c.5543delA).
Protein change: p.Asn1848fs; shifts the reading frame from asparagine 1848.
Molecular consequence: frameshift variant.
Genome position (GRCh38, 1-based): chr11:77,205,524, A deleted; the last of 2 consecutive A bases (chr11:77,205,523-77,205,524); deleting either gives the same sequence. VCF-style (leftmost placement, unchanged base first): chr11-77205522-CA-C. GRCh37 (hg19) VCF-style: chr11-76916567-CA-C.
Other names: c.5429del, p.Asn1810fs (NM_001127180.2); c.5396del, p.Asn1799fs (NM_001369365.1); short protein forms N1799fs, N1810fs, N1848fs.
Identifiers: ClinVar variation 555973 (VCV000555973.6), dbSNP rs1555105202, ClinGen allele CA658822330.